The following is an entry in ClinVar:

NM_001282684.2(KCTD17):c.-7G>T

Genes: KCTD17 (potassium channel tetramerization domain containing 17; plus strand), LOC130067340 (ATAC-STARR-seq lymphoblastoid silent region 13677; plus strand). Cytogenetic location: 22q12.3.
Variant type: single nucleotide variant.
Coding change: c.-7G>T on transcript NM_001282684.2 (MANE Select); 7 bases upstream of the start codon, G replaced by T.
Molecular consequence: 5 prime UTR variant.
Genome position (GRCh38, 1-based): chr22:37,051,754, G>T. VCF-style: chr22-37051754-G-T. GRCh37 (hg19) VCF-style: chr22-37447794-G-T.
Other names: c.-7G>T (NM_001282685.2, NM_001282686.2, NM_024681.4).
Identifiers: ClinVar variation 4982437 (VCV004982437.1).

ClinVar aggregate classification (germline): Likely benign (1 of 4 stars; one submission).

Conditions:
KCTD17-related disorder. Also called: KCTD17-related condition.

Submission:

PreventionGenetics, part of Exact Sciences
Classification: Likely benign for KCTD17-related condition. Last evaluated: 2025-12-16. Review status: criteria provided, single submitter. Criteria: ACMG Guidelines, 2015. Collection method: clinical testing. Allele origin: germline.
Comment: This variant is classified as likely benign based on ACMG/AMP sequence variant interpretation guidelines (Richards et al. 2015 PMID: 25741868, with internal and published modifications).